The following is an entry in ClinVar:

ClinVar aggregate classification (germline): Uncertain significance (1 of 4 stars; one submission).

Allele frequency attached by ClinVar (database versions not stated): gnomAD exomes 0.00002; gnomAD 0.00003; TOPMed 0.00005.
gnomAD v4.1: 35 of 1,611,118 alleles (0.0022%); highest among the groups gnomAD compares: Admixed American, 0.015%; no homozygotes.

Submission:

Labcorp Genetics (formerly Invitae), Labcorp
Classification: Uncertain significance. Last evaluated: 2023-09-14. Review status: criteria provided, single submitter. Criteria: Invitae Variant Classification Sherloc (09022015). Collection method: clinical testing. Allele origin: germline.
Comment: This sequence change replaces arginine, which is basic and polar, with glutamine, which is neutral and polar, at codon 1511 of the KIAA0556 protein (p.Arg1511Gln). This variant is present in population databases (no rsID available, gnomAD 0.02%). This variant has not been reported in the literature in individuals affected with KIAA0556-related conditions. Algorithms developed to predict the effect of missense changes on protein structure and function are either unavailable or do not agree on the potential impact of this missense change (SIFT: "Not Available"; PolyPhen-2: "Probably Damaging"; Align-GVGD: "Not Available"). In summary, the available evidence is currently insufficient to determine the role of this variant in disease. Therefore, it has been classified as a Variant of Uncertain Significance.

NM_015202.5(KATNIP):c.4532G>A (p.Arg1511Gln)

Gene: KATNIP (katanin interacting protein; plus strand). Cytogenetic location: 16p12.1.
Variant type: single nucleotide variant.
Coding change: c.4532G>A on transcript NM_015202.5 (MANE Select); coding-DNA position 4532, G replaced by A.
Protein change: p.Arg1511Gln; replaces arginine 1511 with glutamine.
Molecular consequence: missense variant.
Genome position (GRCh38, 1-based): chr16:27,777,010, G>A. VCF-style: chr16-27777010-G-A. GRCh37 (hg19) VCF-style: chr16-27788331-G-A.
Other names: short protein forms R1511Q.
Identifiers: ClinVar variation 2421196 (VCV002421196.4), dbSNP rs1471679905, ClinGen allele CA395331864.